The following is an entry in ClinVar:

NM_014321.4(ORC6):c.23G>A (p.Arg8His)

Gene: ORC6 (origin recognition complex subunit 6; plus strand). Cytogenetic location: 16q11.2.
Variant type: single nucleotide variant.
Coding change: c.23G>A on transcript NM_014321.4 (MANE Select); coding-DNA position 23, G replaced by A.
Protein change: p.Arg8His; replaces arginine 8 with histidine.
Molecular consequence: missense variant. On other transcripts: non-coding transcript variant (1).
Genome position (GRCh38, 1-based): chr16:46,689,728, G>A. VCF-style: chr16-46689728-G-A. GRCh37 (hg19) VCF-style: chr16-46723640-G-A.
Other names: short protein forms R8H.
Identifiers: ClinVar variation 1419064 (VCV001419064.6), dbSNP rs754832466, ClinGen allele CA8037250.

ClinVar aggregate classification (germline): Uncertain significance. Review status: criteria provided, multiple submitters, no conflicts (2 of 4 stars). 2 submissions from 2 submitters: Uncertain significance (2). Last evaluated 2023-10-26.

gnomAD v4.1: 10 of 1,601,972 alleles (0.00062%); highest among the groups gnomAD compares: Non-Finnish European, 0.00085%; no homozygotes.

Submissions (2):

Blueprint Genetics
Classification: Uncertain significance. Last evaluated: 2023-10-26. Review status: criteria provided, single submitter. Criteria: ACMG Guidelines, 2015. Collection method: clinical testing. Allele origin: germline.

Labcorp Genetics (formerly Invitae), Labcorp
Classification: Uncertain significance. Last evaluated: 2021-08-28. Review status: criteria provided, single submitter. Criteria: Invitae Variant Classification Sherloc (09022015). Collection method: clinical testing. Allele origin: germline.
Comment: This sequence change replaces arginine with histidine at codon 8 of the ORC6 protein (p.Arg8His). The arginine residue is moderately conserved and there is a small physicochemical difference between arginine and histidine. This variant is present in population databases (rs754832466, ExAC 0.003%). This variant has not been reported in the literature in individuals affected with ORC6-related conditions. Algorithms developed to predict the effect of missense changes on protein structure and function (SIFT, PolyPhen-2, Align-GVGD) all suggest that this variant is likely to be tolerated. In summary, the available evidence is currently insufficient to determine the role of this variant in disease. Therefore, it has been classified as a Variant of Uncertain Significance.